The following is an entry in ClinVar:

NM_017637.6(BNC2):c.1246A>G (p.Lys416Glu)

Gene: BNC2 (basonuclin zinc finger protein 2; minus strand). Cytogenetic location: 9p22.3.
Variant type: single nucleotide variant.
Coding change: c.1246A>G on transcript NM_017637.6 (MANE Select); coding-DNA position 1246, A replaced by G.
Protein change: p.Lys416Glu; replaces lysine 416 with glutamic acid.
Molecular consequence: missense variant.
Genome position (GRCh38, 1-based): chr9:16,436,948, T>C on the plus strand (A>G on the coding strand, the complement: BNC2 is on the minus strand). VCF-style: chr9-16436948-T-C. GRCh37 (hg19) VCF-style: chr9-16436946-T-C.
Other names: c.1120A>G, p.Lys374Glu (NM_001317939.2); c.961A>G, p.Lys321Glu (NM_001317940.2); short protein forms K321E, K374E, K416E.
Identifiers: ClinVar variation 3624306 (VCV003624306.3).

ClinVar aggregate classification (germline): Uncertain significance. Review status: criteria provided, multiple submitters, no conflicts (2 of 4 stars). 2 submissions from 2 submitters: Uncertain significance (2). Last evaluated 2025-06-12.

Conditions:
Inborn genetic diseases. Identifiers: MedGen C0950123, MeSH D030342.

gnomAD v4.1: 5 of 1,614,202 alleles (0.00031%); highest among the groups gnomAD compares: Admixed American, 0.005%; no homozygotes.

Submissions (2):

Labcorp Genetics (formerly Invitae), Labcorp
Classification: Uncertain significance. Last evaluated: 2025-06-12. Review status: criteria provided, single submitter. Criteria: Invitae Variant Classification Sherloc (09022015). Collection method: clinical testing. Allele origin: germline.
Comment: This sequence change replaces lysine, which is basic and polar, with glutamic acid, which is acidic and polar, at codon 416 of the BNC2 protein (p.Lys416Glu). This variant is present in population databases (rs770702140, gnomAD 0.009%). This variant has not been reported in the literature in individuals affected with BNC2-related conditions. ClinVar contains an entry for this variant (Variation ID: 3624306). An algorithm developed to predict the effect of missense changes on protein structure and function (PolyPhen-2) suggests that this variant is likely to be tolerated. In summary, the available evidence is currently insufficient to determine the role of this variant in disease. Therefore, it has been classified as a Variant of Uncertain Significance.

Ambry Genetics
Classification: Uncertain significance for Inborn genetic diseases. Last evaluated: 2025-05-03. Review status: criteria provided, single submitter. Criteria: Ambry Variant Classification Scheme 2023. Collection method: clinical testing. Allele origin: germline.